The following is an entry in ClinVar:

ClinVar aggregate classification (germline): Uncertain significance. Review status: criteria provided, multiple submitters, no conflicts (2 of 4 stars). 5 submissions from 5 submitters: Uncertain significance (5). Last evaluated 2026-09-21.

Conditions:
Cardiovascular phenotype. Identifiers: MedGen CN230736.
Familial thoracic aortic aneurysm and aortic dissection (TAAD). Also called: Thoracic aortic aneurysms and dissections. Identifiers: Orphanet 91387, MedGen C4707243, MONDO:0019625.
Aortic aneurysm, familial thoracic 6 (AAT6). Also called: FAMILIAL THORACIC AORTIC ANEURYSM WITH LIVEDO RETICULARIS AND IRIS FLOCCULI. Identifiers: MedGen C2673186, MONDO:0012730, OMIM 611788.

Allele frequency attached by ClinVar (database versions not stated): gnomAD 0.00001; gnomAD exomes below 0.00001.
gnomAD v4.1: 2 of 1,613,804 alleles (0.00012%); highest among the groups gnomAD compares: Non-Finnish European, 0.00017%; no homozygotes.

Submissions (5):

Molecular Diagnostic Laboratory for Inherited Cardiovascular Disease, Montreal Heart Institute
Classification: Uncertain significance for Cardiovascular phenotype. Last evaluated: 2026-09-21. Review status: criteria provided, single submitter. Criteria: ACMG Guidelines, 2015. Collection method: clinical testing. Allele origin: germline. Affected: yes.
Comment: PM2, PP2, PP3

Ambry Genetics
Classification: Uncertain significance for Familial thoracic aortic aneurysm and aortic dissection. Last evaluated: 2025-04-13. Review status: criteria provided, single submitter. Criteria: Ambry Variant Classification Scheme 2023. Collection method: clinical testing. Allele origin: germline.
Comment: The p.D83N variant (also known as c.247G>A), located in coding exon 2 of the ACTA2 gene, results from a G to A substitution at nucleotide position 247. The aspartic acid at codon 83 is replaced by asparagine, an amino acid with highly similar properties. This amino acid position is conserved. In addition, the in silico prediction for this alteration is inconclusive. Based on the available evidence, the clinical significance of this variant remains unclear.

All of Us Research Program, National Institutes of Health
Classification: Uncertain significance for Familial thoracic aortic aneurysm and aortic dissection. Last evaluated: 2023-08-15. Review status: criteria provided, single submitter. Criteria: ACMG Guidelines, 2015. Collection method: clinical testing. Allele origin: germline. Inheritance: Autosomal dominant inheritance. Observed: 1 variant allele, 1 heterozygote.
Comment: This missense variant replaces aspartic acid with asparagine at codon 83 of the ACTA2 protein. Computational prediction suggests that this variant may have deleterious impact on protein structure and function (internally defined REVEL score threshold >= 0.7, PMID: 27666373). To our knowledge, functional studies have not been reported for this variant. This variant has not been reported in individuals affected with ACTA2-related disorders in the literature. This variant has not been identified in the general population by the Genome Aggregation Database (gnomAD). The available evidence is insufficient to determine the role of this variant in disease conclusively. Therefore, this variant is classified as a Variant of Uncertain Significance.

This study involves interpretation of variants in research participants for the purpose of population health screening. Participant phenotype was not available at the time of variant classification. Additional details can be found in publication PMID: 35346344, PMCID: PMC8962531

Centre of Medical Genetics, University of Antwerp
Classification: Uncertain significance for Aortic aneurysm, familial thoracic 6. Last evaluated: 2021-03-01. Review status: criteria provided, single submitter. Criteria: ACMG Guidelines, 2015. Collection method: research. Allele origin: unknown. Affected: yes.
Comment: PM2, PP3

GeneDx
Classification: Uncertain significance. Last evaluated: 2019-08-06. Review status: criteria provided, single submitter. Criteria: GeneDx Variant Classification Process June 2021. Collection method: clinical testing. Allele origin: germline. Affected: yes.
Comment: Has not been previously published as pathogenic or benign to our knowledge; Identified in conjunction with additional cardiogenetic or specify variants in individuals referred for Marfan/TAAD at GeneDx, but segregation data is limited or absent at this time; Not observed in large population cohorts (Lek et al., 2016); In silico analysis, which includes protein predictors and evolutionary conservation, supports a deleterious effect

NM_001613.4(ACTA2):c.247G>A (p.Asp83Asn)

Gene: ACTA2 (actin alpha 2, smooth muscle; minus strand). Cytogenetic location: 10q23.31.
Variant type: single nucleotide variant.
Coding change: c.247G>A on transcript NM_001613.4 (MANE Select); coding-DNA position 247, G replaced by A.
Protein change: p.Asp83Asn; replaces aspartic acid 83 with asparagine.
Molecular consequence: missense variant.
Genome position (GRCh38, 1-based): chr10:88,947,269, C>T on the plus strand (G>A on the coding strand, the complement: ACTA2 is on the minus strand). VCF-style: chr10-88947269-C-T. GRCh37 (hg19) VCF-style: chr10-90707026-C-T.
Other names: p.D83N:GAC>AAC; c.247G>A, p.Asp83Asn (NM_001141945.3, NM_001320855.2, NM_001406462.1 and 4 more transcripts); short protein forms D83N.
Identifiers: ClinVar variation 199668 (VCV000199668.24), dbSNP rs794728023, ClinGen allele CA006882.
Genomic context (GRCh38, chr10:88,947,269, plus strand): 5'-ACAGGGATTATGCATCCTGAGGGCCCAAGCTGCAGCAAACCTCCCATACCTTTTCCATGT[C>T]GTCCCAGTTGGTGATGATGCCATGTTCTATCGGGTACTTCAGGGTCAGGATTCCTCTTTT-3'
Protein context (NP_001604.1, residues 73-93): IEHGIITNWD[Asp83Asn]MEKIWHHSFY